The following is an entry in ClinVar:

NM_000052.7(ATP7A):c.1020G>A (p.Pro340=)

Gene: ATP7A (ATPase copper transporting alpha; plus strand). Cytogenetic location: Xq21.1.
Variant type: single nucleotide variant.
Coding change: c.1020G>A on transcript NM_000052.7 (MANE Select); coding-DNA position 1020, G replaced by A.
Protein change: p.Pro340=; no amino-acid change (proline 340 retained).
Molecular consequence: synonymous variant.
Genome position (GRCh38, 1-based): chrX:77,989,642, G>A. VCF-style: chrX-77989642-G-A. GRCh37 (hg19) VCF-style: chrX-77245138-G-A.
Other names: c.1020G>A, p.Pro340= (NM_001282224.2).
Identifiers: ClinVar variation 761172 (VCV000761172.14), dbSNP rs372232940, ClinGen allele CA10458983.

ClinVar aggregate classification (germline): Benign/Likely benign. Review status: criteria provided, multiple submitters, no conflicts (2 of 4 stars). 4 submissions from 4 submitters: Benign (1); Likely benign (2). 1 of the submissions does not count toward it. Last evaluated 2026-07-01.

Conditions:
Menkes kinky-hair syndrome (MNK). Also called: Classic Menkes Disease; Copper transport disease; Menkes Disease. Identifiers: Orphanet 565, MedGen C0022716, MONDO:0010651, OMIM 309400.
Cutis laxa, X-linked (OHS). Also called: EDS IX; Occipital horn syndrome. Identifiers: Orphanet 198, MedGen C0268353, MONDO:0010572, OMIM 304150.
X-linked distal spinal muscular atrophy type 3. Also called: NEURONOPATHY, DISTAL HEREDITARY MOTOR, X-LINKED; NEUROPATHY, DISTAL HEREDITARY MOTOR, X-LINKED; SPINAL MUSCULAR ATROPHY, DISTAL, X-LINKED RECESSIVE; ATP7A-Related Distal Motor Neuropathy. Identifiers: Orphanet 139557, MedGen C1845359, MONDO:0010338, OMIM 300489.
ATP7A-related disorder. Also called: ATP7A-related condition.

Allele frequency attached by ClinVar (database versions not stated): gnomAD exomes 0.00002 and 0.00003; TOPMed 0.00002; ExAC 0.00003; gnomAD 0.00005 and 0.00007; ESP Exome Variant Server 0.00009; 1000 Genomes Project 30x 0.00021; 1000 Genomes Project 0.00026.
gnomAD v4.1: 42 of 1,209,661 alleles (0.0035%); highest among the groups gnomAD compares: Admixed American, 0.037%; no homozygotes.

Submissions (4):

CeGaT Center for Human Genetics Tuebingen
Classification: Likely benign. Last evaluated: 2026-07-01. Review status: criteria provided, single submitter. Criteria: CeGaT Center For Human Genetics Tuebingen Variant Classification Criteria Version 2. Collection method: clinical testing. Allele origin: germline. Affected: yes. Observed: 1 variant allele.
Comment: ATP7A: BP4, BP7, BS2

Labcorp Genetics (formerly Invitae), Labcorp
Classification: Benign for X-linked distal spinal muscular atrophy type 3; Cutis laxa, X-linked; Menkes kinky-hair syndrome. Last evaluated: 2025-12-21. Review status: criteria provided, single submitter. Criteria: Invitae Variant Classification Sherloc (09022015). Collection method: clinical testing. Allele origin: germline.

PreventionGenetics, part of Exact Sciences
Classification: Likely benign for ATP7A-related condition. Last evaluated: 2024-11-07. Review status: criteria provided, single submitter. Criteria: ACMG Guidelines, 2015. Collection method: clinical testing. Allele origin: germline.
Comment: This variant is classified as likely benign based on ACMG/AMP sequence variant interpretation guidelines (Richards et al. 2015 PMID: 25741868, with internal and published modifications).

Natera, Inc.
Classification: Likely benign for Menkes kinky hair syndrome. Last evaluated: 2020-11-16. Review status: no assertion criteria provided. Collection method: clinical testing. Allele origin: germline. Not counted in ClinVar's aggregate classification.